The following is an entry in ClinVar:

ClinVar aggregate classification (germline): Uncertain significance. Review status: criteria provided, multiple submitters, no conflicts (2 of 4 stars). 3 submissions from 3 submitters: Uncertain significance (3). Last evaluated 2026-02-03.

Conditions:
Hereditary cancer-predisposing syndrome. Also called: Hereditary Cancer Syndrome; Tumor predisposition; Neoplastic Syndromes, Hereditary; Hereditary neoplastic syndrome. Identifiers: Orphanet 140162, MedGen C0027672, MeSH D009386, MONDO:0015356.
Neuroblastoma, susceptibility to, 3. Also called: ALK-Related Neuroblastic Tumor Susceptibility. Identifiers: Orphanet 635, MedGen C2751681, MONDO:0013083, OMIM 613014.

Allele frequency attached by ClinVar (database versions not stated): gnomAD exomes 0.00001; TOPMed 0.00001.

Submissions (3):

Labcorp Genetics (formerly Invitae), Labcorp
Classification: Uncertain significance for Neuroblastoma, susceptibility to, 3. Last evaluated: 2026-02-03. Review status: criteria provided, single submitter. Criteria: Invitae Variant Classification Sherloc (09022015). Collection method: clinical testing. Allele origin: germline.
Comment: This sequence change replaces methionine, which is neutral and non-polar, with isoleucine, which is neutral and non-polar, at codon 1566 of the ALK protein (p.Met1566Ile). This variant is present in population databases (no rsID available, gnomAD 0.009%). This variant has not been reported in the literature in individuals affected with ALK-related conditions. ClinVar contains an entry for this variant (Variation ID: 650606). An algorithm developed to predict the effect of missense changes on protein structure and function outputs the following: PolyPhen-2: "Benign". The isoleucine amino acid residue is found in multiple mammalian species, which suggests that this missense change does not adversely affect protein function. In summary, the available evidence is currently insufficient to determine the role of this variant in disease. Therefore, it has been classified as a Variant of Uncertain Significance.

Ambry Genetics
Classification: Uncertain significance for Hereditary cancer-predisposing syndrome. Last evaluated: 2025-05-07. Review status: criteria provided, single submitter. Criteria: Ambry Variant Classification Scheme 2023. Collection method: clinical testing. Allele origin: germline.

GeneDx
Classification: Uncertain significance. Last evaluated: 2023-06-12. Review status: criteria provided, single submitter. Criteria: GeneDx Variant Classification Process June 2021. Collection method: clinical testing. Allele origin: germline. Affected: yes.
Comment: Not observed at significant frequency in large population cohorts (gnomAD); In silico analysis supports that this missense variant does not alter protein structure/function; Has not been previously published as pathogenic or benign to our knowledge

NM_004304.5(ALK):c.4698G>A (p.Met1566Ile)

Gene: ALK (ALK receptor tyrosine kinase; minus strand). Cytogenetic location: 2p23.2.
Variant type: single nucleotide variant.
Coding change: c.4698G>A on transcript NM_004304.5 (MANE Select); coding-DNA position 4698, G replaced by A.
Protein change: p.Met1566Ile; replaces methionine 1566 with isoleucine.
Molecular consequence: missense variant.
Genome position (GRCh38, 1-based): chr2:29,193,389, C>T on the plus strand (G>A on the coding strand, the complement: ALK is on the minus strand). VCF-style: chr2-29193389-C-T. GRCh37 (hg19) VCF-style: chr2-29416255-C-T.
Other names: c.1494G>A, p.Met498Ile (NM_001353765.2); short protein forms M498I, M1566I.
Identifiers: ClinVar variation 650606 (VCV000650606.13), dbSNP rs1291120133, ClinGen allele CA346460435.